The following is an entry in ClinVar:

NM_000218.3(KCNQ1):c.1027C>G (p.Pro343Ala)

Gene: KCNQ1 (potassium voltage-gated channel subfamily Q member 1; plus strand). Cytogenetic location: 11p15.5.
Variant type: single nucleotide variant.
Coding change: c.1027C>G on transcript NM_000218.3 (MANE Select); coding-DNA position 1027, C replaced by G.
Protein change: p.Pro343Ala; replaces proline 343 with alanine.
Molecular consequence: missense variant.
Genome position (GRCh38, 1-based): chr11:2,583,540, C>G. VCF-style: chr11-2583540-C-G. GRCh37 (hg19) VCF-style: chr11-2604770-C-G.
Other names: c.1027C>G, p.Pro343Ala (NM_001406836.1); c.757C>G, p.Pro253Ala (NM_001406837.1); c.583C>G, p.Pro195Ala (NM_001406838.1); c.646C>G, p.Pro216Ala (NM_181798.2); short protein forms P195A, P216A, P253A, P343A.
Identifiers: ClinVar variation 3376696 (VCV003376696.1).

ClinVar aggregate classification (germline): Pathogenic (1 of 4 stars; one submission).

Conditions:
Long QT syndrome 1 (LQT1). Identifiers: Orphanet 101016, Orphanet 768, MedGen C4551647, MONDO:0100316, OMIM 192500, MONDO:0008646.

Submission:

Victorian Clinical Genetics Services, Murdoch Childrens Research Institute
Classification: Pathogenic for Long QT syndrome 1. Last evaluated: 2023-07-16. Review status: criteria provided, single submitter. Criteria: ACMG Guidelines, 2015. Collection method: clinical testing. Allele origin: germline. Inheritance: Autosomal dominant inheritance. Affected: yes.
Comment: Based on the classification scheme VCGS_Germline_v1.3.4, this variant is classified as Pathogenic. Following criteria are met: 0103 - Dominant negative, loss of function and gain of function are known mechanisms of disease in this gene. Gain of function variants result exclusively in short QT syndrome (MIM#609621), while dominant negative and loss of function variants can cause long QT syndrome (LQTS, MIM#192500), atrial fibrillation (MIM#607554) and Jervell and Lange-Nielsen syndrome (JLNS, MIM#220400) (OMIM, PMIDs: 19632626, 28438721). (I) 0108 - This gene is known to be associated with both recessive and dominant disease. JLNS is characterized by congenital, bilateral deafness and variable degrees of QT prolongation, and is the only condition caused by biallelic variants (PMID: 28438721). (I) 0112 - The condition associated with this gene has incomplete penetrance (OMIM, PMID: 20301308). (I) 0200 - Variant is predicted to result in a missense amino acid change from proline to alanine. (I) 0251 - This variant is heterozygous. (I) 0301 - Variant is absent from gnomAD (both v2 and v3). (SP) 0502 - Missense variant with conflicting in silico predictions and uninformative conservation. (I) 0600 - Variant is located in the annotated S6 transmembrane domain (PMID: 19716085). (I) 0702 - Other missense variants comparable to the one identified in this case have strong previous evidence for pathogenicity. Alternative changes to a serine, an arginine and a leucine have all been reported in individuals with LQT (ClinVar, PMID: 15466642, 15511625, 16414944, 17470695, 19716085). (SP) 0807 - This variant has no previous evidence of pathogenicity. (I) 0905 - No published segregation evidence has been identified for this variant. (I) 1002 - This variant has moderate functional evidence supporting abnormal protein function. Functional study has demonstrated this variant disrupts channel activity to a similar extent as another known LQT variant (PMID: 32015334). (SP) Legend: (P) - Pathogenic, (N) - Neutral, (B) - Benign

Literature cited by the submitters: PubMed 15466642; PubMed 15511625; PubMed 16414944; PubMed 17470695; PubMed 19632626; PubMed 19716085; PubMed 20301308; PubMed 28438721; PubMed 32015334.